The following is an entry in ClinVar:

ClinVar aggregate classification (germline): Uncertain significance (1 of 4 stars; one submission).

Conditions:
Hereditary sensory and autonomic neuropathy type 7. Also called: Neuropathy, hereditary sensory and autonomic, type VII; HSAN VII. Identifiers: Orphanet 391397, MedGen C3809882, MONDO:0014244, OMIM 615548.
Familial episodic pain syndrome with predominantly lower limb involvement. Also called: Episodic pain syndrome, familial, 3. Identifiers: Orphanet 391384, Orphanet 391392, MedGen C3809899, MONDO:0014247, OMIM 615552.

Allele frequency attached by ClinVar (database versions not stated): ExAC 0.00004; TOPMed 0.00005; ESP Exome Variant Server 0.00015; gnomAD exomes 0.00003; gnomAD 0.00003.
gnomAD v4.1: 57 of 1,611,262 alleles (0.0035%); highest among the groups gnomAD compares: Non-Finnish European, 0.0045%; no homozygotes.

Submission:

Labcorp Genetics (formerly Invitae), Labcorp
Classification: Uncertain significance for Familial episodic pain syndrome with predominantly lower limb involvement; Hereditary sensory and autonomic neuropathy type 7. Last evaluated: 2025-09-25. Review status: criteria provided, single submitter. Criteria: Invitae Variant Classification Sherloc (09022015). Collection method: clinical testing. Allele origin: germline.
Comment: This sequence change replaces serine, which is neutral and polar, with arginine, which is basic and polar, at codon 1280 of the SCN11A protein (p.Ser1280Arg). This variant is present in population databases (rs144377677, gnomAD 0.007%). This variant has not been reported in the literature in individuals affected with SCN11A-related conditions. ClinVar contains an entry for this variant (Variation ID: 541565). Invitae Evidence Modeling of protein sequence and biophysical properties (such as structural, functional, and spatial information, amino acid conservation, physicochemical variation, residue mobility, and thermodynamic stability) indicates that this missense variant is not expected to disrupt SCN11A protein function with a negative predictive value of 80%. In summary, the available evidence is currently insufficient to determine the role of this variant in disease. Therefore, it has been classified as a Variant of Uncertain Significance.

NM_001349253.2(SCN11A):c.3840C>A (p.Ser1280Arg)

Gene: SCN11A (sodium voltage-gated channel alpha subunit 11; minus strand). Cytogenetic location: 3p22.2.
Variant type: single nucleotide variant.
Coding change: c.3840C>A on transcript NM_001349253.2 (MANE Select); coding-DNA position 3840, C replaced by A.
Protein change: p.Ser1280Arg; replaces serine 1280 with arginine.
Molecular consequence: missense variant.
Genome position (GRCh38, 1-based): chr3:38,867,432, G>T on the plus strand (C>A on the coding strand, the complement: SCN11A is on the minus strand). VCF-style: chr3-38867432-G-T. GRCh37 (hg19) VCF-style: chr3-38908923-G-T.
Other names: c.3840C>A, p.Ser1280Arg (NM_014139.3); short protein forms S1280R.
Identifiers: ClinVar variation 541565 (VCV000541565.8), dbSNP rs144377677, ClinGen allele CA2321677.